The following is an entry in ClinVar:

NM_005120.3(MED12):c.536A>G (p.His179Arg)

Gene: MED12 (mediator complex subunit 12; plus strand). Cytogenetic location: Xq13.1.
Variant type: single nucleotide variant.
Coding change: c.536A>G on transcript NM_005120.3 (MANE Select); coding-DNA position 536, A replaced by G.
Protein change: p.His179Arg; replaces histidine 179 with arginine.
Molecular consequence: missense variant.
Genome position (GRCh38, 1-based): chrX:71,120,153, A>G. VCF-style: chrX-71120153-A-G. GRCh37 (hg19) VCF-style: chrX-70340003-A-G.
Other names: short protein forms H179R.
Identifiers: ClinVar variation 985528 (VCV000985528.16), dbSNP rs2092285751, ClinGen allele CA413500264.

ClinVar aggregate classification (germline): Uncertain significance. Review status: criteria provided, multiple submitters, no conflicts (2 of 4 stars). 3 submissions from 3 submitters: Uncertain significance (3). Last evaluated 2026-04-14.

Conditions:
FG syndrome (FGS). Identifiers: MedGen C0220769, MONDO:0002010.
Inborn genetic diseases. Identifiers: MedGen C0950123, MeSH D030342.

Submissions (3):

GeneDx
Classification: Uncertain significance. Last evaluated: 2026-04-14. Review status: criteria provided, single submitter. Criteria: GeneDx Variant Classification Process June 2021. Collection method: clinical testing. Allele origin: germline.
Comment: Not observed at significant frequency in large population cohorts (gnomAD); In silico analysis suggests that this missense variant does not alter protein structure/function; Has not been previously published as pathogenic or benign to our knowledge

Labcorp Genetics (formerly Invitae), Labcorp
Classification: Uncertain significance for FG syndrome. Last evaluated: 2020-02-02. Review status: criteria provided, single submitter. Criteria: Invitae Variant Classification Sherloc (09022015). Collection method: clinical testing. Allele origin: germline.
Comment: In summary, the available evidence is currently insufficient to determine the role of this variant in disease. Therefore, it has been classified as a Variant of Uncertain Significance. Algorithms developed to predict the effect of missense changes on protein structure and function (SIFT, PolyPhen-2, Align-GVGD) all suggest that this variant is likely to be tolerated, but these predictions have not been confirmed by published functional studies and their clinical significance is uncertain. This variant has not been reported in the literature in individuals with MED12-related conditions. This variant is not present in population databases (ExAC no frequency). This sequence change replaces histidine with arginine at codon 179 of the MED12 protein (p.His179Arg). The histidine residue is moderately conserved and there is a small physicochemical difference between histidine and arginine.

Ambry Genetics
Classification: Uncertain significance for Inborn genetic diseases. Last evaluated: 2018-03-14. Review status: criteria provided, single submitter. Criteria: Ambry exome assertion method (8-5-2015). Collection method: clinical testing. Allele origin: germline. Affected: yes. Observed: 1 variant allele.